The following is an entry in ClinVar:

NM_000540.3(RYR1):c.5912C>T (p.Ala1971Val)

Gene: RYR1 (ryanodine receptor 1; plus strand). Cytogenetic location: 19q13.2.
Variant type: single nucleotide variant.
Coding change: c.5912C>T on transcript NM_000540.3 (MANE Select); coding-DNA position 5912, C replaced by T.
Protein change: p.Ala1971Val; replaces alanine 1971 with valine.
Molecular consequence: missense variant.
Genome position (GRCh38, 1-based): chr19:38,490,173, C>T. VCF-style: chr19-38490173-C-T. GRCh37 (hg19) VCF-style: chr19-38980813-C-T.
Other names: c.5912C>T, p.Ala1971Val (NM_001042723.2); short protein forms A1971V.
Identifiers: ClinVar variation 3385410 (VCV003385410.1).

ClinVar aggregate classification (germline): Uncertain significance (1 of 4 stars; one submission).

Conditions:
Malignant hyperthermia, susceptibility to, 1 (MHS1). Also called: Anesthesia related hyperthermia; Malignant hyperpyrexia; Fulminating hyperpyrexia; Pharmacogenic myopathy; Malignant hyperthermia suceptibility 1; RYR1-Related Malignant Hyperthermia Susceptibility. Identifiers: Orphanet 423, MedGen C2930980, MONDO:0007783, OMIM 145600.

gnomAD v4.1: 1 of 1,614,228 alleles (0.000062%); highest among the groups gnomAD compares: Non-Finnish European, 0.000085%; no homozygotes.

Submission:

All of Us Research Program, National Institutes of Health
Classification: Uncertain significance for Malignant hyperthermia, susceptibility to, 1. Last evaluated: 2024-04-25. Review status: criteria provided, single submitter. Criteria: ACMG Guidelines, 2015. Collection method: clinical testing. Allele origin: germline. Inheritance: Autosomal dominant inheritance. Observed: 1 variant allele, 1 heterozygote.
Comment: This missense variant replaces alanine with valine at codon 1971 of the RYR1 protein. Computational prediction suggests that this variant may not impact protein structure and function (internally defined REVEL score threshold <= 0.5, PMID: 27666373). To our knowledge, functional studies have not been reported for this variant. This variant has not been reported in individuals affected with RYR1-related disorders in the literature. This variant has not been identified in the general population by the Genome Aggregation Database (gnomAD). The available evidence is insufficient to determine the role of this variant in disease conclusively. Therefore, this variant is classified as a Variant of Uncertain Significance.

This study involves interpretation of variants in research participants for the purpose of population health screening. Participant phenotype was not available at the time of variant classification. Additional details can be found in publication PMID: 35346344, PMCID: PMC8962531